The following is an entry in ClinVar:

NM_152269.5(MTRFR):c.*128C>A

Gene: MTRFR (mitochondrial translation release factor in rescue; plus strand). Cytogenetic location: 12q24.31.
Variant type: single nucleotide variant.
Coding change: c.*128C>A on transcript NM_152269.5 (MANE Select); 128 bases downstream of the stop codon, C replaced by A.
Molecular consequence: 3 prime UTR variant.
Genome position (GRCh38, 1-based): chr12:123,257,159, C>A. VCF-style: chr12-123257159-C-A. GRCh37 (hg19) VCF-style: chr12-123741706-C-A.
Other names: c.*128C>A (NM_001143905.2, NM_001194995.1).
Identifiers: ClinVar variation 307499 (VCV000307499.8), dbSNP rs11554169, ClinGen allele CA10632167.

ClinVar aggregate classification (germline): Likely benign. Review status: criteria provided, multiple submitters, no conflicts (2 of 4 stars). 3 submissions from 3 submitters: Likely benign (3). Last evaluated 2018-06-14.

Conditions:
Combined oxidative phosphorylation defect type 7. Identifiers: Orphanet 254930, MedGen C3150801, MONDO:0013306, OMIM 613559.

Allele frequency attached by ClinVar (database versions not stated): gnomAD 0.04556 and 0.04799; TOPMed 0.05364; 1000 Genomes Project 30x 0.08776; 1000 Genomes Project 0.09345.
gnomAD v4.1: 39,928 of 797,474 alleles (5%); highest among the groups gnomAD compares: East Asian, 25%; 1,967 homozygotes.

Submissions (3):

GeneDx
Classification: Likely benign. Last evaluated: 2018-06-14. Review status: criteria provided, single submitter. Criteria: GeneDx Variant Classification Process June 2021. Collection method: clinical testing. Allele origin: germline. Affected: yes.

Illumina Laboratory Services, Illumina
Classification: Likely benign for Combined oxidative phosphorylation defect type 7. Last evaluated: 2017-04-27. Review status: criteria provided, single submitter. Criteria: ICSL Variant Classification Criteria 13 December 2019. Collection method: clinical testing. Allele origin: germline.
Comment: This variant was observed as part of a predisposition screen in an ostensibly healthy population. A literature search was performed for the gene, cDNA change, and amino acid change (where applicable). No publications were found based on this search. Allele frequency data from public databases allowed determination this variant is unlikely to cause disease. Therefore, this variant is classified as likely benign.

Breakthrough Genomics
Classification: Likely benign. Review status: criteria provided, single submitter. Criteria: ACMG Guidelines, 2015. Collection method: not provided. Allele origin: germline. Inheritance: Autosomal recessive inheritance. Affected: yes.